The following is an entry in ClinVar:

NM_006005.3(WFS1):c.2080G>C (p.Glu694Gln)

Gene: WFS1 (wolframin ER transmembrane glycoprotein; plus strand). Cytogenetic location: 4p16.1.
Variant type: single nucleotide variant.
Coding change: c.2080G>C on transcript NM_006005.3 (MANE Select); coding-DNA position 2080, G replaced by C.
Protein change: p.Glu694Gln; replaces glutamic acid 694 with glutamine.
Molecular consequence: missense variant.
Genome position (GRCh38, 1-based): chr4:6,301,875, G>C. VCF-style: chr4-6301875-G-C. GRCh37 (hg19) VCF-style: chr4-6303602-G-C.
Other names: c.2080G>C, p.Glu694Gln (NM_001145853.1); short protein forms E694Q.
Identifiers: ClinVar variation 166602 (VCV000166602.6), dbSNP rs727503751, ClinGen allele CA179665.
Genomic context (GRCh38, chr4:6,301,875, plus strand): 5'-GGGCCACGCGCCTGGAAGGAGACCAACATGGCGCGCACCCAGATCCTCTGCAGCCACCTG[G>C]AGGGCCACAGGGTCACGTGGACCGGCCGCTTCAAGTACGTCCGCGTGACTGACATCGACA-3'
Protein context (NP_005996.2, residues 684-704): ARTQILCSHL[Glu694Gln]GHRVTWTGRF

ClinVar aggregate classification (germline): Uncertain significance. Review status: criteria provided, multiple submitters, no conflicts (2 of 4 stars). 2 submissions from 2 submitters: Uncertain significance (2). Last evaluated 2021-07-14.

Submissions (2):

Blueprint Genetics
Classification: Uncertain significance. Last evaluated: 2021-07-14. Review status: criteria provided, single submitter. Criteria: ACMG Guidelines, 2015. Collection method: clinical testing. Allele origin: germline.

Laboratory for Molecular Medicine, Mass General Brigham Personalized Medicine
Classification: Uncertain significance. Last evaluated: 2014-07-22. Review status: criteria provided, single submitter. Criteria: LMM Criteria. Collection method: clinical testing. Allele origin: germline. Observed: 3 variant alleles.
Comment: The p.Glu694Gln variant in WFS1 has not been previously reported in individuals with hearing loss and was absent from large population studies. Glutamic acid (G lu) at position 694 is not highly conserved in mammals, as guinea pigs carry a g lutamine (Gln), raising the possibility that this change may be tolerated. Addit ional computational prediction tools do not provide strong support for or agains t an impact to the protein. In summary, the clinical significance of the p.Glu69 4Gln variant is uncertain.